The following is an entry in ClinVar:

NM_000545.8(HNF1A):c.160C>T (p.Arg54Ter)

Gene: HNF1A (HNF1 homeobox A; plus strand). Cytogenetic location: 12q24.31.
Variant type: single nucleotide variant.
Coding change: c.160C>T on transcript NM_000545.8 (MANE Select); coding-DNA position 160, C replaced by T.
Protein change: p.Arg54Ter; replaces arginine 54 with a stop codon.
Molecular consequence: nonsense.
Genome position (GRCh38, 1-based): chr12:120,978,928, C>T. VCF-style: chr12-120978928-C-T. GRCh37 (hg19) VCF-style: chr12-121416731-C-T.
Other names: NM_000545.8(HNF1A):c.160C>T; p.Arg54Ter; c.160C>T (NM_000545.6); c.160C>T, p.Arg54Ter (NM_001306179.2); short protein forms R54*.
Identifiers: ClinVar variation 805632 (VCV000805632.11), dbSNP rs766956862, ClinGen allele CA386953303.

ClinVar aggregate classification (germline): Pathogenic. Review status: reviewed by expert panel (3 of 4 stars). 4 submissions from 4 submitters: Pathogenic (1). 3 of the submissions do not count toward it. Last evaluated 2021-12-28.

Conditions:
Monogenic diabetes. Identifiers: Orphanet 183625, MedGen C3888631, MONDO:0015967.

Allele frequency attached by ClinVar (database versions not stated): TOPMed below 0.00001.
gnomAD v4.1: 3 of 1,610,494 alleles (0.00019%); highest among the groups gnomAD compares: Non-Finnish European, 0.00025%; no homozygotes.

Submissions (4):

ClinGen Monogenic Diabetes Variant Curation Expert Panel
Classification: Pathogenic for Monogenic diabetes. Last evaluated: 2021-12-28. Review status: reviewed by expert panel. Criteria: ClinGen Diabetes ACMG Specifications v1 1. Collection method: curation. Allele origin: germline. Inheritance: Autosomal dominant inheritance.
Comment: The c.160C>T variant in the HNF1 homeobox A gene, HNF1A, results in a premature termination at codon 54 (p.(Arg54Ter)) of NM_000545.8. This variant, located in biologically relevant exon 1/10, is predicted to lead to nonsense mediated decay in a gene in which loss-of-function is an established disease mechanism (PVS1). This variant is absent in gnomAD v2.1.1. (PM2_Supporting). This variant was identified in 11 unrelated individuals with non-autoimmune/insulin-dependent diabetes (PS4; PMID:21224407, PMID:24905847, PMID:25414397, PMID:26050565, ClinVar ID 805632, internal lab contributors). This variant was identified in an individual with a clinical picture highly specific for HNF1A-MODY (MODY probability calculator >50%, negative genetic testing for HNF4A, and sensitive to sulfonylureas) (PP4_Moderate, internal lab contributor). This variant was identified as a de novo occurrence with confirmed parental relationships in an individual with non-autoimmune diabetes, but whose clinical picture is not highly specific for HNF1A-MODY (PS2_Moderate; internal lab contributor). This variant segregates with diabetes with 9 informative meioses in 5 families with diabetes (PP1_Strong; PMID:26050565, internal lab contributors). Taken together, this evidence supports the classification of this variant as pathogenic for HNF1A-MODY by the ClinGen MDEP (PVS1, PM2_Supporting, PS4, PP4_Moderate, PP1_Strong, PS2_Moderate).

Genetic Services Laboratory, University of Chicago
Classification: Pathogenic. Last evaluated: 2025-09-17. Review status: criteria provided, single submitter. Criteria: ACMG Guidelines, 2015. Collection method: clinical testing. Allele origin: germline. Not counted in ClinVar's aggregate classification.
Comment: The c.160C>T variant: Results in the creation of a premature stop codon at amino acid position 54, p.Arg54*. Is predicted to result in an abnormal transcript, which may be degraded, or may lead to the production of a truncated HNF1A protein with potentially abnormal function. Has been previously described in individuals with maturity-onset diabetes of the young (PMID: 12547858, 25414397, 21224407, 24905847 and 26050565). Is reported in the gnomAD v4 database with a frequency of 0.00018% (dbSNP rs766956862). ClinVar contains an entry for this variant (Variation ID: 805632). It has been classified pathogenic by ClinGen Monogenic Diabetes Variant Curation Expert Panel. Collectively this evidence indicates that this variant is pathogenic.

Athena Diagnostics
Classification: Pathogenic. Last evaluated: 2024-08-07. Review status: criteria provided, single submitter. Criteria: Athena Diagnostics Criteria. Collection method: clinical testing. Allele origin: unknown. Not counted in ClinVar's aggregate classification.
Comment: This variant is expected to result in the loss of a functional protein. This variant has not been reported in large, multi-ethnic general populations. This variant has been identified in at least one individual with clinical features associated with this gene.

Labcorp Genetics (formerly Invitae), Labcorp
Classification: Pathogenic. Last evaluated: 2021-08-22. Review status: criteria provided, single submitter. Criteria: Invitae Variant Classification Sherloc (09022015). Collection method: clinical testing. Allele origin: germline. Not counted in ClinVar's aggregate classification.
Comment: This sequence change creates a premature translational stop signal (p.Arg54*) in the HNF1A gene. It is expected to result in an absent or disrupted protein product. Loss-of-function variants in HNF1A are known to be pathogenic (PMID: 15928245, 18003757). This variant is not present in population databases (ExAC no frequency). This premature translational stop signal has been observed in individual(s) with maturity-onset diabetes of the young (PMID: 12547858, 25414397). ClinVar contains an entry for this variant (Variation ID: 805632). For these reasons, this variant has been classified as Pathogenic.

Literature cited by the submitters: PubMed 21224407 (cited by Athena Diagnostics); PubMed 16917892 (cited by Athena Diagnostics); PubMed 29777474 (cited by Athena Diagnostics); PubMed 25414397 (cited by Athena Diagnostics and Labcorp Genetics (formerly Invitae), Labcorp); PubMed 12547858 (cited by Athena Diagnostics and Labcorp Genetics (formerly Invitae), Labcorp); PubMed 15928245 (cited by Labcorp Genetics (formerly Invitae), Labcorp); PubMed 18003757 (cited by Labcorp Genetics (formerly Invitae), Labcorp).